The following is an entry in ClinVar:

NM_024426.6(WT1):c.45G>A (p.Pro15=)

Genes: WT1 (WT1 transcription factor; minus strand), LOC107982234 (WT1/WT1-AS bi-directional promoter region; plus strand). Cytogenetic location: 11p13.
Variant type: single nucleotide variant.
Coding change: c.45G>A on transcript NM_024426.6 (MANE Select); coding-DNA position 45, G replaced by A.
Protein change: p.Pro15=; no amino-acid change (proline 15 retained).
Molecular consequence: synonymous variant. On other transcripts: non-coding transcript variant (1).
Genome position (GRCh38, 1-based): chr11:32,435,316, C>T on the plus strand (G>A on the coding strand, the complement: WT1 is on the minus strand). VCF-style: chr11-32435316-C-T. GRCh37 (hg19) VCF-style: chr11-32456862-C-T.
Other names: c.45G>A, p.Pro15= (NM_000378.6, NM_024424.5).
Identifiers: ClinVar variation 647850 (VCV000647850.11), dbSNP rs1158182061, ClinGen allele CA473773449.
Genomic context (GRCh38, chr11:32,435,316, plus strand): 5'-CTGCTCTGGCTGCTGTAGGCACCCAGGCCCGGAGCGGAGCGTGTGCTGAGACGCCGGCTC[C>T]GGGACACACGTGGAAGCCGGGTCCTGCAGCAAGAGGAAGTCCAGGATCGCGGCGAGGAGA-3'
Protein context (NP_077744.4, residues 5-25): LLQDPASTCV[Pro15=]EPASQHTLRS

ClinVar aggregate classification (germline): Likely benign. Review status: criteria provided, multiple submitters, no conflicts (2 of 4 stars). 3 submissions from 3 submitters: Likely benign (3). Last evaluated 2025-06-01.

Conditions:
Wilms tumor 1 (WT1). Also called: Wilms tumor, somatic. Identifiers: Orphanet 654, MedGen CN033288, MONDO:0008679, OMIM 194070.
11p partial monosomy syndrome (WAGR). Also called: WAGR Complex; WAGR Spectrum Disorder; CHROMOSOME 11p13 DELETION SYNDROME; WAGR syndrome. Identifiers: Orphanet 893, MedGen C0206115, MONDO:0008681, OMIM 194072.
Frasier syndrome. Identifiers: Orphanet 347, MedGen C0950122, MeSH D052159, MONDO:0007635, OMIM 136680.
Drash syndrome (DDS). Also called: WILMS TUMOR AND PSEUDO- OR TRUE HERMAPHRODITISM; NEPHROPATHY, WILMS TUMOR, AND GENITAL ANOMALIES. Identifiers: Orphanet 220, MedGen C0950121, MONDO:0008682, OMIM 194080.
Inborn genetic diseases. Identifiers: MedGen C0950123, MeSH D030342.

Allele frequency attached by ClinVar (database versions not stated): gnomAD exomes 0.00001.

Submissions (3):

Ambry Genetics
Classification: Likely benign for Inborn genetic diseases. Last evaluated: 2025-06-01. Review status: criteria provided, single submitter. Criteria: Ambry Variant Classification Scheme 2023. Collection method: clinical testing. Allele origin: germline.

All of Us Research Program, National Institutes of Health
Classification: Likely benign for Wilms tumor 1. Last evaluated: 2024-05-14. Review status: criteria provided, single submitter. Criteria: ACMG Guidelines, 2015. Collection method: clinical testing. Allele origin: germline. Inheritance: Autosomal dominant inheritance. Observed: 1 variant allele, 1 heterozygote.
Comment: This study involves interpretation of variants in research participants for the purpose of population health screening. Participant phenotype was not available at the time of variant classification. Additional details can be found in publication PMID: 35346344, PMCID: PMC8962531

Labcorp Genetics (formerly Invitae), Labcorp
Classification: Likely benign for Wilms tumor 1; Drash syndrome; 11p partial monosomy syndrome; Frasier syndrome. Last evaluated: 2022-11-08. Review status: criteria provided, single submitter. Criteria: Invitae Variant Classification Sherloc (09022015). Collection method: clinical testing. Allele origin: germline.